The following is an entry in ClinVar:

ClinVar aggregate classification (germline): Uncertain significance. Review status: criteria provided, multiple submitters, no conflicts (2 of 4 stars). 2 submissions from 2 submitters: Uncertain significance (2). Last evaluated 2022-09-27.

Conditions:
Autosomal recessive polycystic kidney disease (ARPKD). Also called: AR polycystic kidney disease. Identifiers: Orphanet 731, Orphanet 8378, MedGen C0085548, MeSH D017044, MONDO:0009889.

Allele frequency attached by ClinVar (database versions not stated): ExAC 0.00002; gnomAD exomes 0.00002; TOPMed 0.00003; gnomAD 0.00004.
gnomAD v4.1: 33 of 1,613,362 alleles (0.002%); highest among the groups gnomAD compares: Middle Eastern, 0.017%; no homozygotes.

Submissions (2):

Labcorp Genetics (formerly Invitae), Labcorp
Classification: Uncertain significance for Autosomal recessive polycystic kidney disease. Last evaluated: 2022-09-27. Review status: criteria provided, single submitter. Criteria: Invitae Variant Classification Sherloc (09022015). Collection method: clinical testing. Allele origin: germline.
Comment: This sequence change replaces arginine, which is basic and polar, with glutamine, which is neutral and polar, at codon 2930 of the PKHD1 protein (p.Arg2930Gln). This variant is present in population databases (rs767738190, gnomAD 0.01%). This variant has not been reported in the literature in individuals affected with PKHD1-related conditions. Algorithms developed to predict the effect of missense changes on protein structure and function output the following: SIFT: "Deleterious"; PolyPhen-2: "Benign"; Align-GVGD: "Class C0". The glutamine amino acid residue is found in multiple mammalian species, which suggests that this missense change does not adversely affect protein function. In summary, the available evidence is currently insufficient to determine the role of this variant in disease. Therefore, it has been classified as a Variant of Uncertain Significance.

Blueprint Genetics
Classification: Uncertain significance. Last evaluated: 2019-05-10. Review status: criteria provided, single submitter. Criteria: ACMG Guidelines, 2015. Collection method: clinical testing. Allele origin: germline.

NM_138694.4(PKHD1):c.8789G>A (p.Arg2930Gln)

Gene: PKHD1 (PKHD1 ciliary IPT domain containing fibrocystin/polyductin; minus strand). Cytogenetic location: 6p12.3.
Variant type: single nucleotide variant.
Coding change: c.8789G>A on transcript NM_138694.4 (MANE Select); coding-DNA position 8789, G replaced by A.
Protein change: p.Arg2930Gln; replaces arginine 2930 with glutamine.
Molecular consequence: missense variant.
Genome position (GRCh38, 1-based): chr6:51,754,792, C>T on the plus strand (G>A on the coding strand, the complement: PKHD1 is on the minus strand). VCF-style: chr6-51754792-C-T. GRCh37 (hg19) VCF-style: chr6-51619590-C-T.
Other names: c.8789G>A, p.Arg2930Gln (NM_170724.3); short protein forms R2930Q.
Identifiers: ClinVar variation 2147487 (VCV002147487.2), dbSNP rs767738190, ClinGen allele CA3851533.